The following is an entry in ClinVar:

ClinVar aggregate classification (germline): Uncertain significance. Review status: criteria provided, single submitter (1 of 4 stars). 5 submissions from 5 submitters: Uncertain significance (1). 4 of the submissions do not count toward it. Last evaluated 2017-09-01.

Conditions:
Lissencephaly. Also called: Lissencephaly spectrum disorders. Identifiers: Orphanet 48471, MedGen C0266463, MeSH D054082, MONDO:0018838, HP:0001339.
Cortical dysplasia, complex, with other brain malformations 13. Also called: Intellectual disability, autosomal dominant 13. Identifiers: MedGen C3281202, MONDO:0013805, OMIM 614563.
Neuronopathy, distal hereditary motor, autosomal dominant. Also called: Autosomal dominant distal hereditary motor neuropathy. Identifiers: Orphanet 140465, MedGen C5548212, MONDO:0015362.
Charcot-Marie-Tooth disease axonal type 2O. Also called: Charcot-Marie-Tooth disease, axonal, type 20; CHARCOT-MARIE-TOOTH NEUROPATHY, AXONAL, TYPE 2O; CHARCOT-MARIE-TOOTH DISEASE, AXONAL, AUTOSOMAL DOMINANT, TYPE 2O; Charcot-Marie-Tooth Neuropathy Type 2O. Identifiers: Orphanet 284232, MedGen C3280220, MONDO:0013644, OMIM 614228.

Submissions (5):

Baylor Genetics
Classification: Uncertain significance for Cortical dysplasia, complex, with other brain malformations 13. Last evaluated: 2017-09-01. Review status: criteria provided, single submitter. Criteria: ACMG Guidelines, 2015. Collection method: clinical testing. Allele origin: de novo. Inheritance: Autosomal dominant inheritance. Affected: yes.

Inherited Neuropathy Consortium Ii, University Of Miami
Classification: Uncertain significance for Charcot-Marie-Tooth disease axonal type 2O. Last evaluated: 2016-01-06. Review status: no assertion criteria provided. Collection method: literature only. Allele origin: germline. Affected: yes. Not counted in ClinVar's aggregate classification.

Genomics England Pilot Project, Genomics England
Classification: Likely pathogenic for Charcot-Marie-Tooth disease axonal type 2O. Review status: no assertion criteria provided. Criteria: ACGS Guidelines, 2016. Collection method: clinical testing. Allele origin: germline. Affected: yes. Not counted in ClinVar's aggregate classification.

Inherited Neuropathy Consortium
Classification: Uncertain significance for Autosomal dominant distal hereditary motor neuropathy. Review status: no assertion criteria provided. Collection method: literature only. Allele origin: germline. Affected: yes. Not counted in ClinVar's aggregate classification.

University of Washington Center for Mendelian Genomics, University of Washington
Classification: Uncertain significance for lissencephaly. Review status: no assertion criteria provided. Collection method: research. Allele origin: unknown. Affected: yes. Not counted in ClinVar's aggregate classification.

Literature cited by the submitters: PubMed 25326635 (cited by Baylor Genetics); PubMed 25609763 (cited by Inherited Neuropathy Consortium Ii, University Of Miami and Inherited Neuropathy Consortium); PubMed 29671837 (cited by University of Washington Center for Mendelian Genomics, University of Washington).

NM_001376.5(DYNC1H1):c.4808G>C (p.Arg1603Thr)

Gene: DYNC1H1 (dynein cytoplasmic 1 heavy chain 1; plus strand). Cytogenetic location: 14q32.31.
Variant type: single nucleotide variant.
Coding change: c.4808G>C on transcript NM_001376.5 (MANE Select); coding-DNA position 4808, G replaced by C.
Protein change: p.Arg1603Thr; replaces arginine 1603 with threonine.
Molecular consequence: missense variant.
Genome position (GRCh38, 1-based): chr14:102,002,890, G>C. VCF-style: chr14-102002890-G-C. GRCh37 (hg19) VCF-style: chr14-102469227-G-C.
Other names: short protein forms R1603T.
Identifiers: ClinVar variation 560995 (VCV000560995.7), dbSNP rs1555409418, ClinGen allele CA391043564.
Genomic context (GRCh38, chr14:102,002,890, plus strand): 5'-CCAAGTCTCCCCTTGTTATGGATGTTCTGAACATCCAGGGAGTACAGAGGTCTCTGGAAA[G>C]ATTGGCAGACCTGCTAGGAAAGATCCAGAAAGCATTGGGAGAATATCTGGAAAGAGAGCG-3'
Protein context (NP_001367.2, residues 1593-1613): NIQGVQRSLE[Arg1603Thr]LADLLGKIQK